The following is an entry in ClinVar:

NM_000038.6(APC):c.3765C>G (p.Asn1255Lys)

Gene: APC (APC regulator of Wnt signaling pathway; plus strand). Cytogenetic location: 5q22.2.
Variant type: single nucleotide variant.
Coding change: c.3765C>G on transcript NM_000038.6 (MANE Select); coding-DNA position 3765, C replaced by G.
Protein change: p.Asn1255Lys; replaces asparagine 1255 with lysine.
Molecular consequence: missense variant.
Genome position (GRCh38, 1-based): chr5:112,839,359, C>G. VCF-style: chr5-112839359-C-G. GRCh37 (hg19) VCF-style: chr5-112175056-C-G.
Other names: c.3765C>G, p.Asn1255Lys (NM_001127510.3, NM_001354895.2); c.3711C>G, p.Asn1237Lys (NM_001127511.3); c.3819C>G, p.Asn1273Lys (NM_001354896.2); c.3795C>G, p.Asn1265Lys (NM_001354897.2); c.3690C>G, p.Asn1230Lys (NM_001354898.2); c.3681C>G, p.Asn1227Lys (NM_001354899.2); c.3642C>G, p.Asn1214Lys (NM_001354900.2); c.3588C>G, p.Asn1196Lys (NM_001354901.2); and 6 more; short protein forms N1129K, N1230K, N1255K, N1265K, N1154K, N1214K, N1237K, N1164K.
Identifiers: ClinVar variation 1496665 (VCV001496665.10), dbSNP rs876659957, ClinGen allele CA16029590.
Genomic context (GRCh38, chr5:112,839,359, plus strand): 5'-TGCACAGAGTAGAAGTGGTCAGCCTCAAAAGGCTGCCACTTGCAAAGTTTCTTCTATTAA[C>G]CAAGAAACAATACAGACTTATTGTGTAGAAGATACTCCAATATGTTTTTCAAGATGTAGT-3'
Protein context (NP_000029.2, residues 1245-1265): KAATCKVSSI[Asn1255Lys]QETIQTYCVE

ClinVar aggregate classification (germline): Uncertain significance. Review status: criteria provided, multiple submitters, no conflicts (2 of 4 stars). 3 submissions from 3 submitters: Uncertain significance (3). Last evaluated 2026-04-28.

Conditions:
Familial adenomatous polyposis 1 (FAP1). Also called: FAMILIAL ADENOMATOUS POLYPOSIS 1, ATTENUATED; POLYPOSIS, ADENOMATOUS INTESTINAL. Identifiers: MedGen C2713442, MONDO:0021056, OMIM 175100. Disease mechanism: loss of function.
Hereditary cancer-predisposing syndrome. Also called: Tumor predisposition; Neoplastic Syndromes, Hereditary; Hereditary Cancer Syndrome; Hereditary neoplastic syndrome. Identifiers: Orphanet 140162, MedGen C0027672, MeSH D009386, MONDO:0015356.

Allele frequency attached by ClinVar (database versions not stated): TOPMed below 0.00001.

Submissions (3):

Ambry Genetics
Classification: Uncertain significance for Hereditary cancer-predisposing syndrome. Last evaluated: 2026-04-28. Review status: criteria provided, single submitter. Criteria: Ambry Variant Classification Scheme 2023. Collection method: clinical testing. Allele origin: germline.
Comment: The p.N1255K variant (also known as c.3765C>G), located in coding exon 15 of the APC gene, results from a C to G substitution at nucleotide position 3765. The asparagine at codon 1255 is replaced by lysine, an amino acid with similar properties. This amino acid position is conserved. In addition, in silico predictors for this gene do not accurately predict pathogenicity. Based on the available evidence, the clinical significance of this variant remains unclear.

Labcorp Genetics (formerly Invitae), Labcorp
Classification: Uncertain significance for Familial adenomatous polyposis 1. Last evaluated: 2026-01-13. Review status: criteria provided, single submitter. Criteria: Invitae Variant Classification Sherloc (09022015). Collection method: clinical testing. Allele origin: germline.
Comment: This sequence change replaces asparagine, which is neutral and polar, with lysine, which is basic and polar, at codon 1255 of the APC protein (p.Asn1255Lys). This variant is not present in population databases (gnomAD no frequency). This variant has not been reported in the literature in individuals affected with APC-related conditions. ClinVar contains an entry for this variant (Variation ID: 1496665). Invitae Evidence Modeling of protein sequence and biophysical properties (such as structural, functional, and spatial information, amino acid conservation, physicochemical variation, residue mobility, and thermodynamic stability) indicates that this missense variant is not expected to disrupt APC protein function with a negative predictive value of 95%. In summary, the available evidence is currently insufficient to determine the role of this variant in disease. Therefore, it has been classified as a Variant of Uncertain Significance.

Baylor Genetics
Classification: Uncertain significance for Familial adenomatous polyposis 1. Last evaluated: 2023-10-21. Review status: criteria provided, single submitter. Criteria: ACMG Guidelines, 2015. Collection method: clinical testing. Allele origin: unknown.